The following is an entry in ClinVar:

ClinVar aggregate classification (germline): Uncertain significance (1 of 4 stars; one submission).

Conditions:
Familial thoracic aortic aneurysm and aortic dissection (TAAD). Also called: Thoracic aortic aneurysms and dissections. Identifiers: Orphanet 91387, MedGen C4707243, MONDO:0019625.

gnomAD v4.1: 10 of 416,992 alleles (0.0024%); highest among the groups gnomAD compares: South Asian, 0.021%; no homozygotes.

Submission:

Ambry Genetics
Classification: Uncertain significance for Familial thoracic aortic aneurysm and aortic dissection. Last evaluated: 2024-03-21. Review status: criteria provided, single submitter. Criteria: Ambry Variant Classification Scheme 2023. Collection method: clinical testing. Allele origin: germline.
Comment: The p.K75N variant (also known as c.225A>T), located in coding exon 2 of the CBS gene, results from an A to T substitution at nucleotide position 225. The lysine at codon 75 is replaced by asparagine, an amino acid with similar properties. This amino acid position is conserved. In addition, this alteration is predicted to be tolerated by in silico analysis. Based on the available evidence, the clinical significance of this alteration remains unclear.

NM_000071.3(CBS):c.225A>T (p.Lys75Asn)

Gene: CBS (cystathionine beta-synthase; minus strand). Cytogenetic location: 21q22.3.
Variant type: single nucleotide variant.
Coding change: c.225A>T on transcript NM_000071.3 (MANE Select); coding-DNA position 225, A replaced by T.
Protein change: p.Lys75Asn; replaces lysine 75 with asparagine.
Molecular consequence: missense variant.
Genome position (GRCh38, 1-based): chr21:43,068,600, T>A on the plus strand (A>T on the coding strand, the complement: CBS is on the minus strand). VCF-style: chr21-43068600-T-A. GRCh37 (hg19) VCF-style: chr21-44488710-T-A.
Other names: c.225A>T, p.Lys75Asn (NM_001178008.3, NM_001178009.3, NM_001320298.2); short protein forms K75N.
Identifiers: ClinVar variation 3263659 (VCV003263659.1).